The following is an entry in ClinVar:

NM_000245.4(MET):c.2470G>C (p.Asp824His)

Gene: MET (MET proto-oncogene, receptor tyrosine kinase; plus strand). Cytogenetic location: 7q31.2.
Variant type: single nucleotide variant.
Coding change: c.2470G>C on transcript NM_000245.4 (MANE Select); coding-DNA position 2470, G replaced by C.
Protein change: p.Asp824His; replaces aspartic acid 824 with histidine.
Molecular consequence: missense variant.
Genome position (GRCh38, 1-based): chr7:116,763,155, G>C. VCF-style: chr7-116763155-G-C. GRCh37 (hg19) VCF-style: chr7-116403209-G-C.
Other names: c.2524G>C, p.Asp842His (NM_001127500.3); c.2470G>C, p.Asp824His (NM_001324401.3); c.1180G>C, p.Asp394His (NM_001324402.2); short protein forms D824H, D842H, D394H.
Identifiers: ClinVar variation 5024368 (VCV005024368.1).

ClinVar aggregate classification (germline): Uncertain significance (1 of 4 stars; one submission).

Conditions:
Hereditary cancer-predisposing syndrome. Also called: Neoplastic Syndromes, Hereditary; Tumor predisposition; Hereditary neoplastic syndrome; Hereditary Cancer Syndrome. Identifiers: Orphanet 140162, MedGen C0027672, MeSH D009386, MONDO:0015356.

Submission:

Ambry Genetics
Classification: Uncertain significance for Hereditary cancer-predisposing syndrome. Last evaluated: 2026-07-06. Review status: criteria provided, single submitter. Criteria: Ambry Variant Classification Scheme 2023. Collection method: clinical testing. Allele origin: germline.
Comment: The p.D824H variant (also known as c.2470G>C), located in coding exon 10 of the MET gene, results from a G to C substitution at nucleotide position 2470. The aspartic acid at codon 824 is replaced by histidine, an amino acid with similar properties. This amino acid position is conserved. In addition, this alteration is predicted to be deleterious by in silico analysis. Based on the available evidence, the clinical significance of this variant remains unclear.